The following is an entry in ClinVar:

ClinVar aggregate classification (germline): Uncertain significance (1 of 4 stars; one submission).

Conditions:
Symmetrical dyschromatosis of extremities (DSH). Also called: DYSCHROMATOSIS SYMMETRICA HEREDITARIA 1; RETICULATE ACROPIGMENTATION OF DOHI; SYMMETRIC DYSCHROMATOSIS OF THE EXTREMITIES; Dyschromatosis symmetrica hereditaria. Identifiers: Orphanet 41, MedGen C0406775, MONDO:0007483, OMIM 127400.
Aicardi-Goutieres syndrome 6 (AGS6). Identifiers: Orphanet 51, MedGen C3539013, MONDO:0014007, OMIM 615010.

Submission:

Labcorp Genetics (formerly Invitae), Labcorp
Classification: Uncertain significance for Aicardi-Goutieres syndrome 6; Symmetrical dyschromatosis of extremities. Last evaluated: 2023-03-14. Review status: criteria provided, single submitter. Criteria: Invitae Variant Classification Sherloc (09022015). Collection method: clinical testing. Allele origin: germline.
Comment: In summary, the available evidence is currently insufficient to determine the role of this variant in disease. Therefore, it has been classified as a Variant of Uncertain Significance. Algorithms developed to predict the effect of sequence changes on RNA splicing suggest that this variant may disrupt the consensus splice site. An algorithm developed to predict the effect of missense changes on protein structure and function (PolyPhen-2) suggests that this variant is likely to be disruptive. This variant has not been reported in the literature in individuals affected with ADAR-related conditions. This variant is not present in population databases (gnomAD no frequency). This sequence change replaces leucine, which is neutral and non-polar, with proline, which is neutral and non-polar, at codon 126 of the ADAR protein (p.Leu126Pro).

NM_001111.5(ADAR):c.377T>C (p.Leu126Pro)

Gene: ADAR (adenosine deaminase RNA specific; minus strand). Cytogenetic location: 1q21.3.
Variant type: single nucleotide variant.
Coding change: c.377T>C on transcript NM_001111.5 (MANE Select); coding-DNA position 377, T replaced by C.
Protein change: p.Leu126Pro; replaces leucine 126 with proline.
Molecular consequence: missense variant. On other transcripts: 5 prime UTR variant (3), intron variant (3).
Genome position (GRCh38, 1-based): chr1:154,602,265, A>G on the plus strand (T>C on the coding strand, the complement: ADAR is on the minus strand). VCF-style: chr1-154602265-A-G. GRCh37 (hg19) VCF-style: chr1-154574741-A-G.
Other names: c.-509T>C (NM_001025107.3, NM_001193495.2, NM_001365048.1); c.404T>C, p.Leu135Pro (NM_001365045.1); c.377T>C, p.Leu126Pro (NM_015840.4, NM_015841.4); c.-492-17T>C (NM_001365046.1, NM_001365049.1, NM_001365047.1); short protein forms L126P, L135P.
Identifiers: ClinVar variation 2945318 (VCV002945318.3), dbSNP rs2526667116, ClinGen allele CA342603761.